The following is an entry in ClinVar:

ClinVar aggregate classification (germline): Uncertain significance. Review status: criteria provided, multiple submitters, no conflicts (2 of 4 stars). 2 submissions from 2 submitters: Uncertain significance (2). Last evaluated 2026-09-14.

Conditions:
Long QT syndrome (LQTS). Identifiers: MedGen C0023976, MeSH D008133, MONDO:0002442. Disease mechanism: loss of function. Inheritance: Various modes of inheritance.

Allele frequency attached by ClinVar (database versions not stated): gnomAD exomes below 0.00001; ExAC 0.00001.
gnomAD v4.1: 1 of 1,612,756 alleles (0.000062%); highest among the groups gnomAD compares: Non-Finnish European, 0.000085%; no homozygotes.

Submissions (2):

GeneDx
Classification: Uncertain significance. Last evaluated: 2026-09-14. Review status: criteria provided, single submitter. Criteria: GeneDx Variant Classification Process June 2021. Collection method: clinical testing. Allele origin: germline.
Comment: Not observed at significant frequency in large population cohorts (gnomAD); In silico analysis supports that this missense variant has a deleterious effect on protein structure/function; Has not been previously published as pathogenic or benign to our knowledge

Labcorp Genetics (formerly Invitae), Labcorp
Classification: Uncertain significance for Long QT syndrome. Last evaluated: 2024-08-10. Review status: criteria provided, single submitter. Criteria: Invitae Variant Classification Sherloc (09022015). Collection method: clinical testing. Allele origin: germline.
Comment: This sequence change replaces phenylalanine, which is neutral and non-polar, with valine, which is neutral and non-polar, at codon 166 of the KCNQ1 protein (p.Phe166Val). This variant is present in population databases (rs768419064, gnomAD 0.0009%). This variant has not been reported in the literature in individuals affected with KCNQ1-related conditions. ClinVar contains an entry for this variant (Variation ID: 846376). Advanced modeling of protein sequence and biophysical properties (such as structural, functional, and spatial information, amino acid conservation, physicochemical variation, residue mobility, and thermodynamic stability) performed at Invitae indicates that this missense variant is expected to disrupt KCNQ1 protein function with a positive predictive value of 80%. In summary, the available evidence is currently insufficient to determine the role of this variant in disease. Therefore, it has been classified as a Variant of Uncertain Significance.

NM_000218.3(KCNQ1):c.496T>G (p.Phe166Val)

Gene: KCNQ1 (potassium voltage-gated channel subfamily Q member 1; plus strand). Cytogenetic location: 11p15.5.
Variant type: single nucleotide variant.
Coding change: c.496T>G on transcript NM_000218.3 (MANE Select); coding-DNA position 496, T replaced by G.
Protein change: p.Phe166Val; replaces phenylalanine 166 with valine.
Molecular consequence: missense variant.
Genome position (GRCh38, 1-based): chr11:2,570,646, T>G. VCF-style: chr11-2570646-T-G. GRCh37 (hg19) VCF-style: chr11-2591876-T-G.
Other names: c.496T>G, p.Phe166Val (NM_001406836.1); c.226T>G, p.Phe76Val (NM_001406837.1); c.115T>G, p.Phe39Val (NM_181798.2); short protein forms F39V, F166V, F76V.
Identifiers: ClinVar variation 846376 (VCV000846376.11), dbSNP rs768419064, ClinGen allele CA038022.